The following is an entry in ClinVar:

ClinVar aggregate classification (germline): Uncertain significance (1 of 4 stars; one submission).

Submission:

Labcorp Genetics (formerly Invitae), Labcorp
Classification: Uncertain significance. Last evaluated: 2022-02-27. Review status: criteria provided, single submitter. Criteria: Invitae Variant Classification Sherloc (09022015). Collection method: clinical testing. Allele origin: germline.
Comment: This sequence change falls in intron 3 of the RELA gene. It does not directly change the encoded amino acid sequence of the RELA protein. In summary, the available evidence is currently insufficient to determine the role of this variant in disease. Therefore, it has been classified as a Variant of Uncertain Significance. Algorithms developed to predict the effect of sequence changes on RNA splicing suggest that this variant may create or strengthen a splice site. This variant has not been reported in the literature in individuals affected with RELA-related conditions. This variant is not present in population databases (gnomAD no frequency).

NM_021975.4(RELA):c.187-7T>C

Gene: RELA (RELA proto-oncogene, NF-kB subunit; minus strand). Cytogenetic location: 11q13.1.
Variant type: single nucleotide variant.
Coding change: c.187-7T>C on transcript NM_021975.4 (MANE Select); 7 bases into the intron before coding-DNA position 187, T replaced by C.
Molecular consequence: intron variant. On other transcripts: synonymous variant (1).
Genome position (GRCh38, 1-based): chr11:65,661,842, A>G on the plus strand (T>C on the coding strand, the complement: RELA is on the minus strand). VCF-style: chr11-65661842-A-G. GRCh37 (hg19) VCF-style: chr11-65429313-A-G.
Other names: c.213T>C, p.Phe71= (NM_001404657.1); c.187-7T>C (NM_001145138.2, NM_001243984.2, NM_001243985.2).
Identifiers: ClinVar variation 1982201 (VCV001982201.4), dbSNP rs2496868609, ClinGen allele CA2574878596.